The following is an entry in ClinVar:

ClinVar aggregate classification (germline): Conflicting classifications of pathogenicity. Review status: criteria provided, conflicting classifications (1 of 4 stars). 3 submissions from 3 submitters: Uncertain significance (2); Likely benign (1). Last evaluated 2024-06-19.

Allele frequency attached by ClinVar (database versions not stated): ExAC 0.00001; gnomAD exomes 0.00001 and 0.00006; gnomAD 0.00005 and 0.00006.

Submissions (3):

Blueprint Genetics
Classification: Likely benign. Last evaluated: 2024-06-19. Review status: criteria provided, single submitter. Criteria: ACMG Guidelines, 2015. Collection method: clinical testing. Allele origin: germline.

Ambry Genetics
Classification: Uncertain significance. Last evaluated: 2023-02-06. Review status: criteria provided, single submitter. Criteria: Ambry Variant Classification Scheme 2023. Collection method: clinical testing. Allele origin: germline.

Labcorp Genetics (formerly Invitae), Labcorp
Classification: Uncertain significance. Last evaluated: 2022-03-19. Review status: criteria provided, single submitter. Criteria: Invitae Variant Classification Sherloc (09022015). Collection method: clinical testing. Allele origin: germline.
Comment: This sequence change replaces isoleucine, which is neutral and non-polar, with leucine, which is neutral and non-polar, at codon 43 of the IFNAR2 protein (p.Ile43Leu). This variant is present in population databases (rs754395606, gnomAD 0.003%). This variant has not been reported in the literature in individuals affected with IFNAR2-related conditions. Algorithms developed to predict the effect of missense changes on protein structure and function output the following: SIFT: "Tolerated"; PolyPhen-2: "Benign"; Align-GVGD: "Class C0". The leucine amino acid residue is found in multiple mammalian species, which suggests that this missense change does not adversely affect protein function. In summary, the available evidence is currently insufficient to determine the role of this variant in disease. Therefore, it has been classified as a Variant of Uncertain Significance.

NM_001289125.3(IFNAR2):c.127A>T (p.Ile43Leu)

Genes: IFNAR2 (interferon alpha and beta receptor subunit 2; plus strand), IFNAR2-IL10RB (IFNAR2-IL10RB readthrough; plus strand). Cytogenetic location: 21q22.11.
Variant type: single nucleotide variant.
Coding change: c.127A>T on transcript NM_001289125.3 (MANE Select); coding-DNA position 127, A replaced by T.
Protein change: p.Ile43Leu; replaces isoleucine 43 with leucine.
Molecular consequence: missense variant.
Genome position (GRCh38, 1-based): chr21:33,244,980, A>T. VCF-style: chr21-33244980-A-T. GRCh37 (hg19) VCF-style: chr21-34617285-A-T.
Other names: c.127A>T (NM_207585.1); c.127A>T, p.Ile43Leu (NM_000874.5, NM_001289126.2, NM_001289128.2 and 4 more transcripts); short protein forms I43L.
Identifiers: ClinVar variation 1438104 (VCV001438104.8), dbSNP rs754395606, ClinGen allele CA10005565.